The following is an entry in ClinVar:

NM_006516.4(SLC2A1):c.716A>G (p.His239Arg)

Gene: SLC2A1 (solute carrier family 2 member 1; minus strand). Cytogenetic location: 1p34.2.
Variant type: single nucleotide variant.
Coding change: c.716A>G on transcript NM_006516.4 (MANE Select); coding-DNA position 716, A replaced by G.
Protein change: p.His239Arg; replaces histidine 239 with arginine.
Molecular consequence: missense variant.
Genome position (GRCh38, 1-based): chr1:42,929,744, T>C on the plus strand (A>G on the coding strand, the complement: SLC2A1 is on the minus strand). VCF-style: chr1-42929744-T-C. GRCh37 (hg19) VCF-style: chr1-43395415-T-C.
Other names: short protein forms H239R.
Identifiers: ClinVar variation 2043115 (VCV002043115.5), dbSNP rs1045642109, ClinGen allele CA21251163.

ClinVar aggregate classification (germline): Conflicting classifications of pathogenicity. Review status: criteria provided, conflicting classifications (1 of 4 stars). 2 submissions from 2 submitters: Uncertain significance (1); Likely benign (1). Last evaluated 2025-03-13.

Conditions:
GLUT1 deficiency syndrome 1, autosomal recessive. Identifiers: MedGen C3149117.

Allele frequency attached by ClinVar (database versions not stated): gnomAD exomes below 0.00001; gnomAD 0.00001; TOPMed 0.00003.
gnomAD v4.1: 8 of 1,613,984 alleles (0.0005%); highest among the groups gnomAD compares: South Asian, 0.0077%; no homozygotes.

Submissions (2):

Labcorp Genetics (formerly Invitae), Labcorp
Classification: Uncertain significance for GLUT1 deficiency syndrome 1, autosomal recessive. Last evaluated: 2025-03-13. Review status: criteria provided, single submitter. Criteria: Invitae Variant Classification Sherloc (09022015). Collection method: clinical testing. Allele origin: germline.
Comment: This sequence change replaces histidine, which is basic and polar, with arginine, which is basic and polar, at codon 239 of the SLC2A1 protein (p.His239Arg). This variant is present in population databases (no rsID available, gnomAD 0.004%). This variant has not been reported in the literature in individuals affected with SLC2A1-related conditions. ClinVar contains an entry for this variant (Variation ID: 2043115). Invitae Evidence Modeling of protein sequence and biophysical properties (such as structural, functional, and spatial information, amino acid conservation, physicochemical variation, residue mobility, and thermodynamic stability) indicates that this missense variant is not expected to disrupt SLC2A1 protein function with a negative predictive value of 95%. In summary, the available evidence is currently insufficient to determine the role of this variant in disease. Therefore, it has been classified as a Variant of Uncertain Significance.

Blueprint Genetics
Classification: Likely benign. Last evaluated: 2021-11-02. Review status: criteria provided, single submitter. Criteria: ACMG Guidelines, 2015. Collection method: clinical testing. Allele origin: germline.